The following is an entry in ClinVar:

NM_004360.5(CDH1):c.531+1del

Gene: CDH1 (cadherin 1; plus strand). Cytogenetic location: 16q22.1.
Variant type: Deletion.
Coding change: c.531+1del on transcript NM_004360.5 (MANE Select); the canonical splice donor site of the intron after coding-DNA position 531, one base deleted (G; older notation c.531+1delG).
Molecular consequence: splice donor variant.
Genome position (GRCh38, 1-based): chr16:68,808,568, G deleted; the last of 2 consecutive G bases (chr16:68,808,567-68,808,568); deleting either gives the same sequence. VCF-style (leftmost placement, unchanged base first): chr16-68808566-AG-A. GRCh37 (hg19) VCF-style: chr16-68842469-AG-A.
Other names: c.-1085+1del (NM_001317185.2); c.-1289+1del (NM_001317186.2); c.531+1del (NM_001317184.2).
Identifiers: ClinVar variation 2024533 (VCV002024533.4), dbSNP rs2543915112, ClinGen allele CA2580091922.
Genomic context (GRCh38, chr16:68,808,566, plus strand): 5'-TTATTCCTCCCATCAGCTGCCCAGAAAATGAAAAAGGCCCATTTCCTAAAAACCTGGTTC[AG>A]GTAGAGAAAGAAGTTCTCTGTTTCTCTGGGAGGGATTTGGCAGAGAAGTACCAAGGAGAG-3'

ClinVar aggregate classification (germline): Likely pathogenic (1 of 4 stars; one submission).

Conditions:
Hereditary diffuse gastric adenocarcinoma (HDGC). Also called: DIFFUSE GASTRIC AND LOBULAR BREAST CANCER SYNDROME. Identifiers: Orphanet 26106, MedGen C1708349, MONDO:0007648, OMIM 137215.

Submission:

Labcorp Genetics (formerly Invitae), Labcorp
Classification: Likely pathogenic for Hereditary diffuse gastric adenocarcinoma. Last evaluated: 2022-09-09. Review status: criteria provided, single submitter. Criteria: Invitae Variant Classification Sherloc (09022015). Collection method: clinical testing. Allele origin: germline.
Comment: In summary, the currently available evidence indicates that the variant is pathogenic, but additional data are needed to prove that conclusively. Therefore, this variant has been classified as Likely Pathogenic. Studies have shown that disruption of this splice site is associated with altered splicing resulting in multiple RNA products (Invitae). This variant is also known as c.531del. Disruption of this splice site has been observed in individual(s) with diffuse gastric cancer (Invitae). This variant is not present in population databases (gnomAD no frequency). This sequence change affects a splice site in intron 4 of the CDH1 gene. It is expected to disrupt RNA splicing. Variants that disrupt the donor or acceptor splice site typically lead to a loss of protein function (PMID: 16199547), and loss-of-function variants in CDH1 are known to be pathogenic (PMID: 15235021, 20373070).

Literature cited by the submitters: PubMed 16199547; PubMed 15235021; PubMed 20373070.